The following is an entry in ClinVar:

ClinVar aggregate classification (germline): Uncertain significance. Review status: criteria provided, multiple submitters, no conflicts (2 of 4 stars). 3 submissions from 3 submitters: Uncertain significance (3). Last evaluated 2025-02-14.

Conditions:
Fanconi anemia (FA). Also called: Fanconi's anemia. Identifiers: Orphanet 84, MedGen C0015625, MeSH D005199, MONDO:0019391.
Inborn genetic diseases. Identifiers: MedGen C0950123, MeSH D030342.

Allele frequency attached by ClinVar (database versions not stated): 1000 Genomes Project 30x 0.00016; 1000 Genomes Project 0.00020.
gnomAD v4.1: 8 of 1,614,116 alleles (0.0005%); highest among the groups gnomAD compares: African/African-American, 0.0093%; no homozygotes.

Submissions (3):

Ambry Genetics
Classification: Uncertain significance for Inborn genetic diseases. Last evaluated: 2025-02-14. Review status: criteria provided, single submitter. Criteria: Ambry Variant Classification Scheme 2023. Collection method: clinical testing. Allele origin: germline.
Comment: The p.R714G variant (also known as c.2140C>G), located in coding exon 23 of the FANCA gene, results from a C to G substitution at nucleotide position 2140. The arginine at codon 714 is replaced by glycine, an amino acid with dissimilar properties. This amino acid position is conserved. In addition, this alteration is predicted to be tolerated by in silico analysis. Based on the available evidence, the clinical significance of this variant remains unclear.

Labcorp Genetics (formerly Invitae), Labcorp
Classification: Uncertain significance for Fanconi anemia. Last evaluated: 2022-11-01. Review status: criteria provided, single submitter. Criteria: Invitae Variant Classification Sherloc (09022015). Collection method: clinical testing. Allele origin: germline.
Comment: This sequence change replaces arginine, which is basic and polar, with glycine, which is neutral and non-polar, at codon 714 of the FANCA protein (p.Arg714Gly). This variant is present in population databases (rs200284845, gnomAD 0.01%). This variant has not been reported in the literature in individuals affected with FANCA-related conditions. ClinVar contains an entry for this variant (Variation ID: 1007652). Advanced modeling of protein sequence and biophysical properties (such as structural, functional, and spatial information, amino acid conservation, physicochemical variation, residue mobility, and thermodynamic stability) performed at Invitae indicates that this missense variant is not expected to disrupt FANCA protein function. In summary, the available evidence is currently insufficient to determine the role of this variant in disease. Therefore, it has been classified as a Variant of Uncertain Significance.

Genetic Services Laboratory, University of Chicago
Classification: Uncertain significance. Last evaluated: 2019-12-16. Review status: criteria provided, single submitter. Criteria: ACMG Guidelines, 2015. Collection method: clinical testing. Allele origin: germline. Affected: no.
Comment: DNA sequence analysis of the FANCA gene demonstrated a sequence change, c.2140C>G, in exon 23 that results in an amino acid change, p.Arg714Gly. This sequence change does not appear to have been previously described in patients with FANCA-related disorders and has been described in the gnomAD database in two individuals (dbSNP rs200284845). The p.Arg714Gly change affects a moderately conserved amino acid residue located in a domain of the FANCA protein that is not known to be functional. The p.Arg714Gly substitution appears to be benign using several in-silico pathogenicity prediction tools (SIFT, PolyPhen2, Align GVGD, REVEL).

NM_000135.4(FANCA):c.2140C>G (p.Arg714Gly)

Gene: FANCA (FA complementation group A; minus strand). Cytogenetic location: 16q24.3.
Variant type: single nucleotide variant.
Coding change: c.2140C>G on transcript NM_000135.4 (MANE Select); coding-DNA position 2140, C replaced by G.
Protein change: p.Arg714Gly; replaces arginine 714 with glycine.
Molecular consequence: missense variant.
Genome position (GRCh38, 1-based): chr16:89,771,689, G>C on the plus strand (C>G on the coding strand, the complement: FANCA is on the minus strand). VCF-style: chr16-89771689-G-C. GRCh37 (hg19) VCF-style: chr16-89838097-G-C.
Other names: c.2140C>G, p.Arg714Gly (NM_001286167.3); short protein forms R714G.
Identifiers: ClinVar variation 1007652 (VCV001007652.7), dbSNP rs200284845, ClinGen allele CA8251897.